The following is an entry in ClinVar:

ClinVar aggregate classification (germline): Uncertain significance (1 of 4 stars; one submission).

Conditions:
Very long chain acyl-CoA dehydrogenase deficiency (ACADVLD). Also called: Very Long-Chain Acyl-Coenzyme A Dehydrogenase Deficiency; VLCAD Deficiency. Identifiers: Orphanet 26793, MedGen C3887523, MONDO:0008723, OMIM 201475.

gnomAD v4.1: 1 of 1,614,102 alleles (0.000062%); highest among the groups gnomAD compares: Admixed American, 0.0017%; no homozygotes.

Submission:

Labcorp Genetics (formerly Invitae), Labcorp
Classification: Uncertain significance for Very long chain acyl-CoA dehydrogenase deficiency. Last evaluated: 2021-11-02. Review status: criteria provided, single submitter. Criteria: Invitae Variant Classification Sherloc (09022015). Collection method: clinical testing. Allele origin: germline.
Comment: This sequence change replaces glutamic acid, which is acidic and polar, with glutamine, which is neutral and polar, at codon 209 of the ACADVL protein (p.Glu209Gln). This variant is not present in population databases (gnomAD no frequency). This variant has not been reported in the literature in individuals affected with ACADVL-related conditions. Algorithms developed to predict the effect of missense changes on protein structure and function output the following: SIFT: "Tolerated"; PolyPhen-2: "Benign"; Align-GVGD: "Class C0". The glutamine amino acid residue is found in multiple mammalian species, which suggests that this missense change does not adversely affect protein function. In summary, the available evidence is currently insufficient to determine the role of this variant in disease. Therefore, it has been classified as a Variant of Uncertain Significance.

NM_000018.4(ACADVL):c.625G>C (p.Glu209Gln)

Gene: ACADVL (acyl-CoA dehydrogenase very long chain; plus strand). Cytogenetic location: 17p13.1.
Variant type: single nucleotide variant.
Coding change: c.625G>C on transcript NM_000018.4 (MANE Select); coding-DNA position 625, G replaced by C.
Protein change: p.Glu209Gln; replaces glutamic acid 209 with glutamine.
Molecular consequence: missense variant.
Genome position (GRCh38, 1-based): chr17:7,221,954, G>C. VCF-style: chr17-7221954-G-C. GRCh37 (hg19) VCF-style: chr17-7125273-G-C.
Other names: c.559G>C, p.Glu187Gln (NM_001033859.3); c.694G>C, p.Glu232Gln (NM_001270447.2); c.397G>C, p.Glu133Gln (NM_001270448.2); short protein forms E187Q, E209Q, E232Q, E133Q.
Identifiers: ClinVar variation 1402305 (VCV001402305.3), dbSNP rs772055899, ClinGen allele CA397723340.
Genomic context (GRCh38, chr17:7,221,954, plus strand): 5'-GCCGAGGGGACTTTGAAGCTCATCAGAACTTGGGGTAAAGTAGCTCTCTCCCCAACAGGG[G>C]AGACTGTGGCCGCTTTCTGTCTAACCGAGCCCTCAAGCGGGTCAGATGCAGCCTCCATCC-3'
Protein context (NP_000009.1, residues 199-219): EKYLPKLASG[Glu209Gln]TVAAFCLTEP